The following is an entry in ClinVar:

NM_000313.4(PROS1):c.1612T>C (p.Ser538Pro)

Gene: PROS1 (protein S; minus strand). Cytogenetic location: 3q11.1.
Variant type: single nucleotide variant.
Coding change: c.1612T>C on transcript NM_000313.4 (MANE Select); coding-DNA position 1612, T replaced by C.
Protein change: p.Ser538Pro; replaces serine 538 with proline.
Molecular consequence: missense variant.
Genome position (GRCh38, 1-based): chr3:93,879,195, A>G on the plus strand (T>C on the coding strand, the complement: PROS1 is on the minus strand). VCF-style: chr3-93879195-A-G. GRCh37 (hg19) VCF-style: chr3-93598039-A-G.
Other names: c.1708T>C, p.Ser570Pro (NM_001314077.2); short protein forms S538P, S570P.
Identifiers: ClinVar variation 3666506 (VCV003666506.2).
Genomic context (GRCh38, chr3:93,879,195, plus strand): 5'-GGCTTATATAGGTTTAGAGTTAAGTTACCTGTGATTTTTCAGAGGTGGAGTCCACCAAGG[A>G]CACAGCAAAGGGCACTGTGTTGTTACCAGAAACCAAGGCAAGCATAACACCAGTGCCCGT-3'
Protein context (NP_000304.2, residues 528-548): SGNNTVPFAV[Ser538Pro]LVDSTSEKSQ

ClinVar aggregate classification (germline): Uncertain significance (1 of 4 stars; one submission).

Conditions:
Thrombophilia due to protein S deficiency, autosomal recessive (THPH6). Identifiers: Orphanet 743, MedGen C3281092, MONDO:0013791, OMIM 614514. Disease mechanism: loss of function.

gnomAD v4.1: 1 of 1,614,206 alleles (0.000062%); highest among the groups gnomAD compares: Non-Finnish European, 0.000085%; no homozygotes.

Submission:

Labcorp Genetics (formerly Invitae), Labcorp
Classification: Uncertain significance for Thrombophilia due to protein S deficiency, autosomal recessive. Last evaluated: 2024-09-09. Review status: criteria provided, single submitter. Criteria: Invitae Variant Classification Sherloc (09022015). Collection method: clinical testing. Allele origin: germline.
Comment: This sequence change replaces serine, which is neutral and polar, with proline, which is neutral and non-polar, at codon 538 of the PROS1 protein (p.Ser538Pro). This variant is not present in population databases (gnomAD no frequency). This variant has not been reported in the literature in individuals affected with PROS1-related conditions. Invitae Evidence Modeling of protein sequence and biophysical properties (such as structural, functional, and spatial information, amino acid conservation, physicochemical variation, residue mobility, and thermodynamic stability) indicates that this missense variant is not expected to disrupt PROS1 protein function with a negative predictive value of 80%. In summary, the available evidence is currently insufficient to determine the role of this variant in disease. Therefore, it has been classified as a Variant of Uncertain Significance.